The following is an entry in ClinVar:

NM_178857.6(RP1L1):c.4342G>A (p.Glu1448Lys)

Gene: RP1L1 (RP1 like 1). Cytogenetic location: 8p23.1.
Variant type: single nucleotide variant.
Coding change: c.4342G>A on transcript NM_178857.6 (MANE Select); coding-DNA position 4342, G replaced by A.
Protein change: p.Glu1448Lys; replaces glutamic acid 1448 with lysine.
Molecular consequence: missense variant.
Genome position (GRCh38, 1-based): chr8:10,609,756, C>T on the plus strand (G>A on the coding strand, the complement: RP1L1 is on the minus strand). VCF-style: chr8-10609756-C-T. GRCh37 (hg19) VCF-style: chr8-10467266-C-T.
Other names: short protein forms E1448K.
Identifiers: ClinVar variation 866195 (VCV000866195.4), dbSNP rs748013679, ClinGen allele CA4624064.
Genomic context (GRCh38, chr8:10,609,756, plus strand): 5'-GCCTCTCGCTGGCACTTGGGTCCGTCTCGCTGAGATGACTAGGGGGCTCTGTGGGTTCCT[C>T]TGTGCCCTCTGCGGGGCACGGCTCTGCAGAGGCAGAGGCTCTTCCTGCTTCCTCCTCCTG-3'
Protein context (NP_849188.4, residues 1438-1458): SAEPCPAEGT[Glu1448Lys]EPTEPPSHLS

ClinVar aggregate classification (germline): Uncertain significance. Review status: criteria provided, multiple submitters, no conflicts (2 of 4 stars). 3 submissions from 3 submitters: Uncertain significance (3). Last evaluated 2026-08-03.

Conditions:
Inborn genetic diseases. Identifiers: MedGen C0950123, MeSH D030342.
RP1L1-related disorder. Also called: RP1L1-related condition.

Allele frequency attached by ClinVar (database versions not stated): gnomAD exomes 0.00001; TOPMed 0.00001; ExAC 0.00002; gnomAD 0.00002.
gnomAD v4.1: 15 of 1,613,490 alleles (0.00093%); highest among the groups gnomAD compares: African/African-American, 0.0067%; no homozygotes.

Submissions (3):

PreventionGenetics, part of Exact Sciences
Classification: Uncertain significance for RP1L1-related condition. Last evaluated: 2026-08-03. Review status: criteria provided, single submitter. Criteria: ACMG Guidelines, 2015. Collection method: clinical testing. Allele origin: germline.
Comment: The RP1L1 c.4342G>A variant is predicted to result in the amino acid substitution p.Glu1448Lys. To our knowledge, this variant has not been reported in the literature. This variant is reported in 0.0065% of alleles in individuals of African descent in gnomAD. At this time, the clinical significance of this variant is uncertain due to the absence of conclusive functional and genetic evidence.

Ambry Genetics
Classification: Uncertain significance for Inborn genetic diseases. Last evaluated: 2025-03-27. Review status: criteria provided, single submitter. Criteria: Ambry Variant Classification Scheme 2023. Collection method: clinical testing. Allele origin: germline.

Blueprint Genetics
Classification: Uncertain significance. Last evaluated: 2022-08-17. Review status: criteria provided, single submitter. Criteria: ACMG Guidelines, 2015. Collection method: clinical testing. Allele origin: germline.